The following is an entry in ClinVar:

ClinVar aggregate classification (germline): Likely benign. Review status: criteria provided, multiple submitters, no conflicts (2 of 4 stars). 6 submissions from 5 submitters: Likely benign (6). Last evaluated 2026-06-19.

Conditions:
Aortic valve disease 1 (AOVD1). Identifiers: MedGen C3887892, MONDO:0024523, OMIM 109730.
Adams-Oliver syndrome 5 (AOS5). Identifiers: Orphanet 974, MedGen C4014970, MONDO:0014459, OMIM 616028.

Allele frequency attached by ClinVar (database versions not stated): ExAC 0.00001; gnomAD exomes 0.00001 and 0.00003; gnomAD 0.00005 and 0.00006; TOPMed 0.00006.
gnomAD v4.1: 24 of 1,606,286 alleles (0.0015%); highest among the groups gnomAD compares: Non-Finnish European, 0.002%; no homozygotes.

Submissions (6):

Women's Health and Genetics/Laboratory Corporation of America, LabCorp
Classification: Likely benign. Last evaluated: 2026-06-19. Review status: criteria provided, single submitter. Criteria: LabCorp Variant Classification Summary - May 2015. Collection method: clinical testing. Allele origin: germline.

Labcorp Genetics (formerly Invitae), Labcorp
Classification: Likely benign for Adams-Oliver syndrome 5. Last evaluated: 2026-01-19. Review status: criteria provided, single submitter. Criteria: Invitae Variant Classification Sherloc (09022015). Collection method: clinical testing. Allele origin: germline.

Blueprint Genetics
Classification: Likely benign. Last evaluated: 2024-07-18. Review status: criteria provided, single submitter. Criteria: ACMG Guidelines, 2015. Collection method: clinical testing. Allele origin: germline.

Genome-Nilou Lab
Classification: Likely benign for Adams-Oliver syndrome 5. Last evaluated: 2022-03-15. Review status: criteria provided, single submitter. Criteria: ACMG Guidelines, 2015. Collection method: clinical testing. Allele origin: germline. Affected: no.

Genome-Nilou Lab
Classification: Likely benign for Aortic valve disease 1. Last evaluated: 2022-03-15. Review status: criteria provided, single submitter. Criteria: ACMG Guidelines, 2015. Collection method: clinical testing. Allele origin: germline. Affected: no.

GeneDx
Classification: Likely benign. Last evaluated: 2018-01-14. Review status: criteria provided, single submitter. Criteria: GeneDx Variant Classification (06012015). Collection method: clinical testing. Allele origin: germline. Affected: yes.
Comment: This variant is considered likely benign or benign based on one or more of the following criteria: it is a conservative change, it occurs at a poorly conserved position in the protein, it is predicted to be benign by multiple in silico algorithms, and/or has population frequency not consistent with disease.

NM_017617.5(NOTCH1):c.2588-16T>G

Gene: NOTCH1 (notch receptor 1; minus strand). Cytogenetic location: 9q34.3.
Variant type: single nucleotide variant.
Coding change: c.2588-16T>G on transcript NM_017617.5 (MANE Select); 16 bases into the intron before coding-DNA position 2588, T replaced by G.
Molecular consequence: intron variant.
Genome position (GRCh38, 1-based): chr9:136,510,821, A>C on the plus strand (T>G on the coding strand, the complement: NOTCH1 is on the minus strand). VCF-style: chr9-136510821-A-C. GRCh37 (hg19) VCF-style: chr9-139405273-A-C.
Other names: c.2588-16T>G (LRG_1122t1).
Identifiers: ClinVar variation 514668 (VCV000514668.11), dbSNP rs781139940, ClinGen allele CA5341240.